The following is an entry in ClinVar:

NM_000419.5(ITGA2B):c.2300T>C (p.Val767Ala)

Gene: ITGA2B (integrin subunit alpha 2b; minus strand). Cytogenetic location: 17q21.31.
Variant type: single nucleotide variant.
Coding change: c.2300T>C on transcript NM_000419.5 (MANE Select); coding-DNA position 2300, T replaced by C.
Protein change: p.Val767Ala; replaces valine 767 with alanine.
Molecular consequence: missense variant.
Genome position (GRCh38, 1-based): chr17:44,376,356, A>G on the plus strand (T>C on the coding strand, the complement: ITGA2B is on the minus strand). VCF-style: chr17-44376356-A-G. GRCh37 (hg19) VCF-style: chr17-42453724-A-G.
Other names: short protein forms V767A.
Identifiers: ClinVar variation 3861511 (VCV003861511.2).
Genomic context (GRCh38, chr17:44,376,356, plus strand): 5'-CTGGCCTCTCACCCTCGCAGCTCCACTTGGGCCTCTGCCCGGACCGGCACGTCCAGCAGC[A>G]CAATCTTGCTGTTTGGATTCTGGCTGTTCTTGCTAGAGGGGAGGGGATGAGGAGAAACAG-3'
Protein context (NP_000410.2, residues 757-777): KNSQNPNSKI[Val767Ala]LLDVPVRAEA

ClinVar aggregate classification (germline): Uncertain significance. Review status: criteria provided, multiple submitters, no conflicts (2 of 4 stars). 2 submissions from 2 submitters: Uncertain significance (2). Last evaluated 2025-10-29.

Conditions:
Inborn genetic diseases. Identifiers: MedGen C0950123, MeSH D030342.
Glanzmann thrombasthenia. Also called: BLEEDING DISORDER, PLATELET-TYPE, 2; THROMBASTHENIA OF GLANZMANN AND NAEGELI; PLATELET GLYCOPROTEIN IIb-IIIa DEFICIENCY; Thrombasthenia; Glanzmann's thrombasthenia. Identifiers: Orphanet 849, MedGen C0040015, MONDO:0100326.

gnomAD v4.1: 11 of 1,614,044 alleles (0.00068%); highest among the groups gnomAD compares: African/African-American, 0.013%; no homozygotes.

Submissions (2):

Labcorp Genetics (formerly Invitae), Labcorp
Classification: Uncertain significance for Glanzmann thrombasthenia. Last evaluated: 2025-10-29. Review status: criteria provided, single submitter. Criteria: Invitae Variant Classification Sherloc (09022015). Collection method: clinical testing. Allele origin: germline.
Comment: This sequence change replaces valine, which is neutral and non-polar, with alanine, which is neutral and non-polar, at codon 767 of the ITGA2B protein (p.Val767Ala). This variant is present in population databases (rs369924762, gnomAD 0.01%). This variant has not been reported in the literature in individuals affected with ITGA2B-related conditions. ClinVar contains an entry for this variant (Variation ID: 3861511). Invitae Evidence Modeling of protein sequence and biophysical properties (such as structural, functional, and spatial information, amino acid conservation, physicochemical variation, residue mobility, and thermodynamic stability) has been performed for this missense variant. However, the output from this modeling did not meet the statistical confidence thresholds required to predict the impact of this variant on ITGA2B protein function. In summary, the available evidence is currently insufficient to determine the role of this variant in disease. Therefore, it has been classified as a Variant of Uncertain Significance.

Ambry Genetics
Classification: Uncertain significance for Inborn genetic diseases. Last evaluated: 2025-02-14. Review status: criteria provided, single submitter. Criteria: Ambry Variant Classification Scheme 2023. Collection method: clinical testing. Allele origin: germline.